The following is an entry in ClinVar:

NC_000009.12:g.35658047dup

Gene: RMRP (RNA component of mitochondrial RNA processing endoribonuclease; minus strand). Cytogenetic location: 9p13.3.
Variant type: Duplication.
Genome position: GRCh38 VCF-style: chr9-35658043-A-AT. GRCh37 (hg19) VCF-style: chr9-35658040-A-AT.
Identifiers: ClinVar variation 3715318 (VCV003715318.2).

ClinVar aggregate classification (germline): Uncertain significance (1 of 4 stars; one submission).

Conditions:
Anauxetic dysplasia. Identifiers: Orphanet 93347, MedGen C1846796, MONDO:0011773.

Submission:

Labcorp Genetics (formerly Invitae), Labcorp
Classification: Uncertain significance for Anauxetic dysplasia. Last evaluated: 2025-05-03. Review status: criteria provided, single submitter. Criteria: Invitae Variant Classification Sherloc (09022015). Collection method: clinical testing. Allele origin: germline.
Comment: This variant occurs in a non-coding region of the RMRP gene. It does not change the encoded amino acid sequence of the RMRP protein. This variant is not present in population databases (gnomAD no frequency). This variant has not been reported in the literature in individuals affected with RMRP-related conditions. Experimental studies and prediction algorithms are not available or were not evaluated, and the functional significance of this variant is currently unknown. In summary, the available evidence is currently insufficient to determine the role of this variant in disease. Therefore, it has been classified as a Variant of Uncertain Significance.